The following is an entry in ClinVar:

NM_001039141.3(TRIOBP):c.4908del (p.Thr1637fs)

Gene: TRIOBP (TRIO and F-actin binding protein; plus strand). Cytogenetic location: 22q13.1.
Variant type: Deletion.
Coding change: c.4908del on transcript NM_001039141.3 (MANE Select); coding-DNA position 4908, one base deleted (C; older notation c.4908delC).
Protein change: p.Thr1637fs; shifts the reading frame from threonine 1637.
Molecular consequence: frameshift variant.
Genome position (GRCh38, 1-based): chr22:37,735,244, C deleted; the last of 2 consecutive C bases (chr22:37,735,243-37,735,244); deleting either gives the same sequence. VCF-style (leftmost placement, unchanged base first): chr22-37735242-GC-G. GRCh37 (hg19) VCF-style: chr22-38131249-GC-G.
Other names: short protein forms T1637fs.
Identifiers: ClinVar variation 4880668 (VCV004880668.2).

ClinVar aggregate classification (germline): Likely pathogenic (1 of 4 stars; one submission).

Conditions:
Autosomal recessive nonsyndromic hearing loss 28. Identifiers: Orphanet 90636, MedGen C1853276, MONDO:0012355, OMIM 609823.

Submission:

Dasa
Classification: Likely pathogenic for Autosomal recessive nonsyndromic hearing loss 28. Last evaluated: 2025-02-20. Review status: criteria provided, single submitter. Criteria: DASA Assertion Criteria. Collection method: clinical testing. Allele origin: germline.
Comment: NM_001039141.3(TRIOBP):c.4908del (p.Thr1637Profs*33) is a frameshift variant in TRIOBP predicted to alter the reading frame and introduce a premature termination codon and is predicted to result in an absent or altered protein product. Loss of function is an established disease mechanism for TRIOBP-associated disorders. Also, this variant is rare in population databases. Based on the currently available evidence, this variant is classified as likely pathogenic.